The following is an entry in ClinVar:

NM_003922.4(HERC1):c.6132A>C (p.Leu2044=)

Gene: HERC1 (HECT and RLD domain containing E3 ubiquitin protein ligase family member 1; minus strand). Cytogenetic location: 15q22.31.
Variant type: single nucleotide variant.
Coding change: c.6132A>C on transcript NM_003922.4 (MANE Select); coding-DNA position 6132, A replaced by C.
Protein change: p.Leu2044=; no amino-acid change (leucine 2044 retained).
Molecular consequence: synonymous variant.
Genome position (GRCh38, 1-based): chr15:63,686,452, T>G on the plus strand (A>C on the coding strand, the complement: HERC1 is on the minus strand). VCF-style: chr15-63686452-T-G. GRCh37 (hg19) VCF-style: chr15-63978651-T-G.
Identifiers: ClinVar variation 2645436 (VCV002645436.25), dbSNP rs2551459326, ClinGen allele CA490701840.

ClinVar aggregate classification (germline): Likely benign. Review status: criteria provided, multiple submitters, no conflicts (2 of 4 stars). 2 submissions from 2 submitters: Likely benign (2). Last evaluated 2024-09-09.

Submissions (2):

Blueprint Genetics
Classification: Likely benign. Last evaluated: 2024-09-09. Review status: criteria provided, single submitter. Criteria: ACMG Guidelines, 2015. Collection method: clinical testing. Allele origin: germline.

CeGaT Center for Human Genetics Tuebingen
Classification: Likely benign. Last evaluated: 2023-09-01. Review status: criteria provided, single submitter. Criteria: CeGaT Center For Human Genetics Tuebingen Variant Classification Criteria Version 2. Collection method: clinical testing. Allele origin: germline. Affected: yes. Observed: 1 variant allele.
Comment: HERC1: PM2:Supporting, BP4, BP7